The following is an entry in ClinVar:

NM_017636.4(TRPM4):c.3268A>G (p.Arg1090Gly)

Gene: TRPM4 (transient receptor potential cation channel subfamily M member 4; plus strand). Cytogenetic location: 19q13.33.
Variant type: single nucleotide variant.
Coding change: c.3268A>G on transcript NM_017636.4 (MANE Select); coding-DNA position 3268, A replaced by G.
Protein change: p.Arg1090Gly; replaces arginine 1090 with glycine.
Molecular consequence: missense variant.
Genome position (GRCh38, 1-based): chr19:49,210,345, A>G. VCF-style: chr19-49210345-A-G. GRCh37 (hg19) VCF-style: chr19-49713602-A-G.
Other names: c.2833A>G, p.Arg945Gly (NM_001195227.2); c.2923A>G, p.Arg975Gly (NM_001321281.2); c.1660A>G, p.Arg554Gly (NM_001321282.2); c.2746A>G, p.Arg916Gly (NM_001321283.2); c.2206A>G, p.Arg736Gly (NM_001321285.2); c.3268A>G (NM_017636.3); short protein forms R975G, R554G, R736G, R916G, R1090G, R945G.
Identifiers: ClinVar variation 3642626 (VCV003642626.3).

ClinVar aggregate classification (germline): Uncertain significance. Review status: criteria provided, multiple submitters, no conflicts (2 of 4 stars). 2 submissions from 2 submitters: Uncertain significance (2). Last evaluated 2026-08-22.

Conditions:
Progressive familial heart block type IB (PFHB1B). Identifiers: Orphanet 871, MedGen C1970298, MONDO:0011474, OMIM 604559.
Cardiovascular phenotype. Identifiers: MedGen CN230736.

gnomAD v4.1: 3 of 1,614,014 alleles (0.00019%); highest among the groups gnomAD compares: Admixed American, 0.0033%; no homozygotes.

Submissions (2):

Ambry Genetics
Classification: Uncertain significance for Cardiovascular phenotype. Last evaluated: 2026-08-22. Review status: criteria provided, single submitter. Criteria: Ambry Variant Classification Scheme 2023. Collection method: clinical testing. Allele origin: germline.
Comment: The p.R1090G variant (also known as c.3268A>G), located in coding exon 21 of the TRPM4 gene, results from an A to G substitution at nucleotide position 3268. The arginine at codon 1090 is replaced by glycine, an amino acid with dissimilar properties. This amino acid position is conserved. In addition, this alteration is predicted to be tolerated by in silico analysis. Based on the available evidence, the clinical significance of this variant remains unclear.

Labcorp Genetics (formerly Invitae), Labcorp
Classification: Uncertain significance for Progressive familial heart block type IB. Last evaluated: 2024-10-05. Review status: criteria provided, single submitter. Criteria: Invitae Variant Classification Sherloc (09022015). Collection method: clinical testing. Allele origin: germline.
Comment: This sequence change replaces arginine, which is basic and polar, with glycine, which is neutral and non-polar, at codon 1090 of the TRPM4 protein (p.Arg1090Gly). This variant is present in population databases (rs778541479, gnomAD 0.007%). This variant has not been reported in the literature in individuals affected with TRPM4-related conditions. An algorithm developed to predict the effect of missense changes on protein structure and function (PolyPhen-2) suggests that this variant is likely to be tolerated. In summary, the available evidence is currently insufficient to determine the role of this variant in disease. Therefore, it has been classified as a Variant of Uncertain Significance.